The following is an entry in ClinVar:

NM_001384474.1(LOXHD1):c.6563G>A (p.Arg2188Gln)

Gene: LOXHD1 (lipoxygenase homology PLAT domains 1; minus strand). Cytogenetic location: 18q21.1.
Variant type: single nucleotide variant.
Coding change: c.6563G>A on transcript NM_001384474.1 (MANE Select); coding-DNA position 6563, G replaced by A.
Protein change: p.Arg2188Gln; replaces arginine 2188 with glutamine.
Molecular consequence: missense variant.
Genome position (GRCh38, 1-based): chr18:46,477,731, C>T on the plus strand (G>A on the coding strand, the complement: LOXHD1 is on the minus strand). VCF-style: chr18-46477731-C-T. GRCh37 (hg19) VCF-style: chr18-44057694-C-T.
Other names: c.3230G>A, p.Arg1077Gln (NM_001145472.3); c.1280G>A, p.Arg427Gln (NM_001145473.3, NM_001173129.2); c.2942G>A, p.Arg981Gln (NM_001308013.2); c.6377G>A, p.Arg2126Gln (NM_144612.7); c.6377G>A (NM_144612.6); short protein forms R2188Q, R981Q, R1077Q, R2126Q, R427Q.
Identifiers: ClinVar variation 2159579 (VCV002159579.2), dbSNP rs748082132, ClinGen allele CA8952034.

ClinVar aggregate classification (germline): Uncertain significance. Review status: criteria provided, multiple submitters, no conflicts (2 of 4 stars). 2 submissions from 2 submitters: Uncertain significance (2). Last evaluated 2022-08-09.

Conditions:
Inborn genetic diseases. Identifiers: MedGen C0950123, MeSH D030342.

Allele frequency attached by ClinVar (database versions not stated): gnomAD exomes 0.00003; ExAC 0.00005; gnomAD 0.00008; TOPMed 0.00018.
gnomAD v4.1: 51 of 1,551,818 alleles (0.0033%); highest among the groups gnomAD compares: African/African-American, 0.0041%; no homozygotes.

Submissions (2):

Labcorp Genetics (formerly Invitae), Labcorp
Classification: Uncertain significance. Last evaluated: 2022-08-09. Review status: criteria provided, single submitter. Criteria: Invitae Variant Classification Sherloc (09022015). Collection method: clinical testing. Allele origin: germline.
Comment: This sequence change replaces arginine, which is basic and polar, with glutamine, which is neutral and polar, at codon 2126 of the LOXHD1 protein (p.Arg2126Gln). This variant is present in population databases (rs748082132, gnomAD 0.02%). This variant has not been reported in the literature in individuals affected with LOXHD1-related conditions. Algorithms developed to predict the effect of missense changes on protein structure and function are either unavailable or do not agree on the potential impact of this missense change (SIFT: "Deleterious"; PolyPhen-2: "Possibly Damaging"; Align-GVGD: "Class C0"). In summary, the available evidence is currently insufficient to determine the role of this variant in disease. Therefore, it has been classified as a Variant of Uncertain Significance.

Ambry Genetics
Classification: Uncertain significance for Inborn genetic diseases. Last evaluated: 2021-07-14. Review status: criteria provided, single submitter. Criteria: Ambry Variant Classification Scheme 2023. Collection method: clinical testing. Allele origin: germline.